The following is an entry in ClinVar:

NM_024408.4(NOTCH2):c.5968G>A (p.Val1990Met)

Gene: NOTCH2 (notch receptor 2; minus strand). Cytogenetic location: 1p12.
Variant type: single nucleotide variant.
Coding change: c.5968G>A on transcript NM_024408.4 (MANE Select); coding-DNA position 5968, G replaced by A.
Protein change: p.Val1990Met; replaces valine 1990 with methionine.
Molecular consequence: missense variant.
Genome position (GRCh38, 1-based): chr1:119,917,724, C>T on the plus strand (G>A on the coding strand, the complement: NOTCH2 is on the minus strand). VCF-style: chr1-119917724-C-T. GRCh37 (hg19) VCF-style: chr1-120460347-C-T.
Other names: short protein forms V1990M.
Identifiers: ClinVar variation 2954598 (VCV002954598.3), dbSNP rs150675443, ClinGen allele CA1039528.
Genomic context (GRCh38, chr1:119,917,724, plus strand): 5'-CCTTGTTGTCCTGCATGTCTCGGTTGGCCCCATTTTTCAACAACAAAAGAGTTGCCTCCA[C>T]ATTATTGACAGCAGCTGCCCAGTGAAGAGCAGATTTTCCTGCAGGGGAGAAACATTTTTA-3'
Protein context (NP_077719.2, residues 1980-2000): ALHWAAAVNN[Val1990Met]EATLLLLKNG

ClinVar aggregate classification (germline): Uncertain significance (1 of 4 stars; one submission).

Conditions:
Hajdu-Cheney syndrome (HJCYS). Also called: SERPENTINE FIBULA-POLYCYSTIC KIDNEY SYNDROME; ACROOSTEOLYSIS WITH OSTEOPOROSIS AND CHANGES IN SKULL AND MANDIBLE; Acroosteolysis dominant type. Identifiers: Orphanet 955, MedGen C0917715, MONDO:0007057, OMIM 102500.

Allele frequency attached by ClinVar (database versions not stated): TOPMed below 0.00001; gnomAD 0.00001; ExAC 0.00002; gnomAD exomes 0.00006; ESP Exome Variant Server 0.00015.
gnomAD v4.1: 84 of 1,613,838 alleles (0.0052%); highest among the groups gnomAD compares: Non-Finnish European, 0.007%; no homozygotes.

Submission:

Labcorp Genetics (formerly Invitae), Labcorp
Classification: Uncertain significance for Hajdu-Cheney syndrome. Last evaluated: 2024-07-08. Review status: criteria provided, single submitter. Criteria: Invitae Variant Classification Sherloc (09022015). Collection method: clinical testing. Allele origin: germline.
Comment: This sequence change replaces valine, which is neutral and non-polar, with methionine, which is neutral and non-polar, at codon 1990 of the NOTCH2 protein (p.Val1990Met). This variant is present in population databases (rs150675443, gnomAD 0.006%). This variant has not been reported in the literature in individuals affected with NOTCH2-related conditions. Advanced modeling of protein sequence and biophysical properties (such as structural, functional, and spatial information, amino acid conservation, physicochemical variation, residue mobility, and thermodynamic stability) has been performed at Invitae for this missense variant, however the output from this modeling did not meet the statistical confidence thresholds required to predict the impact of this variant on NOTCH2 protein function. In summary, the available evidence is currently insufficient to determine the role of this variant in disease. Therefore, it has been classified as a Variant of Uncertain Significance.